The following is an entry in ClinVar:

NM_198578.4(LRRK2):c.5526T>A (p.Asn1842Lys)

Gene: LRRK2 (leucine rich repeat kinase 2; plus strand). Cytogenetic location: 12q12.
Variant type: single nucleotide variant.
Coding change: c.5526T>A on transcript NM_198578.4 (MANE Select); coding-DNA position 5526, T replaced by A.
Protein change: p.Asn1842Lys; replaces asparagine 1842 with lysine.
Molecular consequence: missense variant.
Genome position (GRCh38, 1-based): chr12:40,323,176, T>A. VCF-style: chr12-40323176-T-A. GRCh37 (hg19) VCF-style: chr12-40716978-T-A.
Other names: short protein forms N1842K.
Identifiers: ClinVar variation 3229700 (VCV003229700.1), dbSNP rs2499888722, ClinGen allele CA384420980.

ClinVar aggregate classification (germline): Uncertain significance (1 of 4 stars; one submission).

Conditions:
Inborn genetic diseases. Identifiers: MedGen C0950123, MeSH D030342.

Submission:

Ambry Genetics
Classification: Uncertain significance for Inborn genetic diseases. Last evaluated: 2023-10-09. Review status: criteria provided, single submitter. Criteria: Ambry Variant Classification Scheme 2023. Collection method: clinical testing. Allele origin: germline.
Comment: The p.N1842K variant (also known as c.5526T>A), located in coding exon 38 of the LRRK2 gene, results from a T to A substitution at nucleotide position 5526. The asparagine at codon 1842 is replaced by lysine, an amino acid with similar properties. This amino acid position is conserved. In addition, this alteration is predicted to be tolerated by in silico analysis. Since supporting evidence is limited at this time, the clinical significance of this alteration remains unclear.